The following is an entry in ClinVar:

NM_198578.4(LRRK2):c.1628A>G (p.His543Arg)

Gene: LRRK2 (leucine rich repeat kinase 2; plus strand). Cytogenetic location: 12q12.
Variant type: single nucleotide variant.
Coding change: c.1628A>G on transcript NM_198578.4 (MANE Select); coding-DNA position 1628, A replaced by G.
Protein change: p.His543Arg; replaces histidine 543 with arginine.
Molecular consequence: missense variant.
Genome position (GRCh38, 1-based): chr12:40,263,873, A>G. VCF-style: chr12-40263873-A-G. GRCh37 (hg19) VCF-style: chr12-40657675-A-G.
Other names: short protein forms H543R.
Identifiers: ClinVar variation 1776735 (VCV001776735.2), dbSNP rs2499572526, ClinGen allele CA384399152.

ClinVar aggregate classification (germline): Uncertain significance (1 of 4 stars; one submission).

Conditions:
Inborn genetic diseases. Identifiers: MedGen C0950123, MeSH D030342.

Allele frequency attached by ClinVar (database versions not stated): gnomAD exomes 0.00001.
gnomAD v4.1: 5 of 1,612,470 alleles (0.00031%); highest among the groups gnomAD compares: Non-Finnish European, 0.00042%; no homozygotes.

Submission:

Ambry Genetics
Classification: Uncertain significance for Inborn genetic diseases. Last evaluated: 2021-12-01. Review status: criteria provided, single submitter. Criteria: Ambry Variant Classification Scheme 2023. Collection method: clinical testing. Allele origin: germline.
Comment: The p.H543R variant (also known as c.1628A>G), located in coding exon 14 of the LRRK2 gene, results from an A to G substitution at nucleotide position 1628. The histidine at codon 543 is replaced by arginine, an amino acid with highly similar properties. This amino acid position is conserved. In addition, the in silico prediction for this alteration is inconclusive. Since supporting evidence is limited at this time, the clinical significance of this alteration remains unclear.